The following is an entry in ClinVar:

ClinVar aggregate classification (germline): Uncertain significance (1 of 4 stars; one submission).

Conditions:
Holoprosencephaly sequence (HPE). Also called: Holoprosencephaly. Identifiers: Orphanet 2162, MedGen C0079541, MONDO:0016296, HP:0001360.

Allele frequency attached by ClinVar (database versions not stated): gnomAD exomes below 0.00001 and 0.00002; ExAC 0.00002; gnomAD 0.00002; TOPMed 0.00002; ESP Exome Variant Server 0.00008.

Submission:

Labcorp Genetics (formerly Invitae), Labcorp
Classification: Uncertain significance for Holoprosencephaly sequence. Last evaluated: 2021-07-04. Review status: criteria provided, single submitter. Criteria: Invitae Variant Classification Sherloc (09022015). Collection method: clinical testing. Allele origin: germline.
Comment: This variant has not been reported in the literature in individuals affected with FOXH1-related conditions. Algorithms developed to predict the effect of missense changes on protein structure and function are either unavailable or do not agree on the potential impact of this missense change (SIFT: "Tolerated"; PolyPhen-2: "Probably Damaging"; Align-GVGD: "Class C0"). In summary, the available evidence is currently insufficient to determine the role of this variant in disease. Therefore, it has been classified as a Variant of Uncertain Significance. This variant is present in population databases (rs377691075, ExAC 0.03%). This sequence change replaces alanine with threonine at codon 126 of the FOXH1 protein (p.Ala126Thr). The alanine residue is highly conserved and there is a small physicochemical difference between alanine and threonine.

NM_003923.3(FOXH1):c.376G>A (p.Ala126Thr)

Gene: FOXH1 (forkhead box H1; minus strand). Cytogenetic location: 8q24.3.
Variant type: single nucleotide variant.
Coding change: c.376G>A on transcript NM_003923.3 (MANE Select); coding-DNA position 376, G replaced by A.
Protein change: p.Ala126Thr; replaces alanine 126 with threonine.
Molecular consequence: missense variant.
Genome position (GRCh38, 1-based): chr8:144,474,960, C>T on the plus strand (G>A on the coding strand, the complement: FOXH1 is on the minus strand). VCF-style: chr8-144474960-C-T. GRCh37 (hg19) VCF-style: chr8-145700343-C-T.
Other names: short protein forms A126T.
Identifiers: ClinVar variation 1377603 (VCV001377603.8), dbSNP rs377691075, ClinGen allele CA4945564.